The following is an entry in ClinVar:

ClinVar aggregate classification (germline): Uncertain significance (1 of 4 stars; one submission).

Conditions:
Inborn genetic diseases. Identifiers: MedGen C0950123, MeSH D030342.

Submission:

Ambry Genetics
Classification: Uncertain significance for Inborn genetic diseases. Last evaluated: 2021-11-08. Review status: criteria provided, single submitter. Criteria: Ambry Variant Classification Scheme 2023. Collection method: clinical testing. Allele origin: germline.
Comment: The p.N1022S variant (also known as c.3065A>G), located in coding exon 15 of the ATR gene, results from an A to G substitution at nucleotide position 3065. The asparagine at codon 1022 is replaced by serine, an amino acid with highly similar properties. This amino acid position is conserved. In addition, this alteration is predicted to be tolerated by in silico analysis. Since supporting evidence is limited at this time, the clinical significance of this alteration remains unclear.

NM_001184.4(ATR):c.3065A>G (p.Asn1022Ser)

Gene: ATR (ATR checkpoint kinase; minus strand). Cytogenetic location: 3q23.
Variant type: single nucleotide variant.
Coding change: c.3065A>G on transcript NM_001184.4 (MANE Select); coding-DNA position 3065, A replaced by G.
Protein change: p.Asn1022Ser; replaces asparagine 1022 with serine.
Molecular consequence: missense variant.
Genome position (GRCh38, 1-based): chr3:142,549,585, T>C on the plus strand (A>G on the coding strand, the complement: ATR is on the minus strand). VCF-style: chr3-142549585-T-C. GRCh37 (hg19) VCF-style: chr3-142268427-T-C.
Other names: c.2873A>G, p.Asn958Ser (NM_001354579.2); short protein forms N1022S, N958S.
Identifiers: ClinVar variation 1799415 (VCV001799415.2), dbSNP rs1559985052, ClinGen allele CA354812423.